The following is an entry in ClinVar:

ClinVar aggregate classification (germline): Likely benign. Review status: criteria provided, multiple submitters, no conflicts (2 of 4 stars). 2 submissions from 2 submitters: Likely benign (2). Last evaluated 2025-02-13.

Conditions:
Cardiovascular phenotype. Identifiers: MedGen CN230736.
Arrhythmogenic cardiomyopathy with wooly hair and keratoderma. Also called: Carvajal syndrome; PALMOPLANTAR KERATODERMA WITH LEFT VENTRICULAR CARDIOMYOPATHY AND WOOLLY HAIR; Dilated cardiomyopathy with woolly hair and keratoderma; Arrhythmogenic cardiomyopathy with woolly hair and keratoderma. Identifiers: Orphanet 65282, MedGen C1854063, MONDO:0011581, OMIM 605676.

Submissions (2):

Ambry Genetics
Classification: Likely benign for Cardiovascular phenotype. Last evaluated: 2025-02-13. Review status: criteria provided, single submitter. Criteria: Ambry Variant Classification Scheme 2023. Collection method: clinical testing. Allele origin: germline.

All of Us Research Program, National Institutes of Health
Classification: Likely benign for Arrhythmogenic cardiomyopathy with wooly hair and keratoderma. Last evaluated: 2023-04-03. Review status: criteria provided, single submitter. Criteria: ACMG Guidelines, 2015. Collection method: clinical testing. Allele origin: germline. Inheritance: Autosomal dominant inheritance. Observed: 1 variant allele, 1 heterozygote.
Comment: This study involves interpretation of variants in research participants for the purpose of population health screening. Participant phenotype was not available at the time of variant classification. Additional details can be found in publication PMID: 35346344, PMCID: PMC8962531

NM_004415.4(DSP):c.4305C>G (p.Ala1435=)

Gene: DSP (desmoplakin; plus strand). Cytogenetic location: 6p24.3.
Variant type: single nucleotide variant.
Coding change: c.4305C>G on transcript NM_004415.4 (MANE Select); coding-DNA position 4305, C replaced by G.
Protein change: p.Ala1435=; no amino-acid change (alanine 1435 retained).
Molecular consequence: synonymous variant. On other transcripts: intron variant (2).
Genome position (GRCh38, 1-based): chr6:7,580,495, C>G. VCF-style: chr6-7580495-C-G. GRCh37 (hg19) VCF-style: chr6-7580728-C-G.
Other names: c.4050+255C>G (NM_001319034.2); c.3582+723C>G (NM_001008844.3).
Identifiers: ClinVar variation 3070041 (VCV003070041.2), dbSNP rs2533928178, ClinGen allele CA448714622.